The following is an entry in ClinVar:

NM_002480.3(PPP1R12A):c.391C>T (p.His131Tyr)

Gene: PPP1R12A (protein phosphatase 1 regulatory subunit 12A; minus strand). Cytogenetic location: 12q21.2.
Variant type: single nucleotide variant.
Coding change: c.391C>T on transcript NM_002480.3 (MANE Select); coding-DNA position 391, C replaced by T.
Protein change: p.His131Tyr; replaces histidine 131 with tyrosine.
Molecular consequence: missense variant.
Genome position (GRCh38, 1-based): chr12:79,845,398, G>A on the plus strand (C>T on the coding strand, the complement: PPP1R12A is on the minus strand). VCF-style: chr12-79845398-G-A. GRCh37 (hg19) VCF-style: chr12-80239178-G-A.
Other names: c.391C>T (NM_002480.2); c.391C>T, p.His131Tyr (NM_001143885.2, NM_001244990.2, NM_001244992.1); c.130C>T, p.His44Tyr (NM_001143886.2); short protein forms H131Y, H44Y.
Identifiers: ClinVar variation 2717378 (VCV002717378.5), dbSNP rs147827390, ClinGen allele CA6699925.

ClinVar aggregate classification (germline): Likely benign. Review status: criteria provided, multiple submitters, no conflicts (2 of 4 stars). 3 submissions from 3 submitters: Likely benign (3). Last evaluated 2026-06-12.

Conditions:
PPP1R12A-related disorder. Also called: PPP1R12A-related condition.

Allele frequency attached by ClinVar (database versions not stated): 1000 Genomes Project 30x 0.00031; gnomAD 0.00032; TOPMed 0.00036; 1000 Genomes Project 0.00040; ExAC 0.00042; ESP Exome Variant Server 0.00042; gnomAD exomes 0.00065.
gnomAD v4.1: 993 of 1,612,940 alleles (0.062%); highest among the groups gnomAD compares: Non-Finnish European, 0.077%; 1 homozygote.

Submissions (3):

PreventionGenetics, part of Exact Sciences
Classification: Likely benign for PPP1R12A-related condition. Last evaluated: 2026-06-12. Review status: criteria provided, single submitter. Criteria: ACMG Guidelines, 2015. Collection method: clinical testing. Allele origin: germline.
Comment: This variant is classified as likely benign based on ACMG/AMP sequence variant interpretation guidelines (Richards et al. 2015 PMID: 25741868, with internal and published modifications).

Labcorp Genetics (formerly Invitae), Labcorp
Classification: Likely benign. Last evaluated: 2026-01-19. Review status: criteria provided, single submitter. Criteria: Invitae Variant Classification Sherloc (09022015). Collection method: clinical testing. Allele origin: germline.

Laboratory of Genetics, Children's Clinical University Hospital Latvia
Classification: Likely benign. Last evaluated: 2025-02-16. Review status: criteria provided, single submitter. Criteria: ACMG Guidelines, 2015. Collection method: clinical testing. Allele origin: germline. Affected: yes.